The following is an entry in ClinVar:

ClinVar aggregate classification (germline): Uncertain significance (1 of 4 stars; one submission).

Conditions:
Spinocerebellar ataxia type 19/22 (SCA19). Also called: SPINOCEREBELLAR ATAXIA 22; SPINOCEREBELLAR ATAXIA 19. Identifiers: Orphanet 98772, MedGen C1846367, MONDO:0011819, OMIM 607346.

Submission:

Labcorp Genetics (formerly Invitae), Labcorp
Classification: Uncertain significance for Spinocerebellar ataxia type 19/22. Last evaluated: 2023-04-24. Review status: criteria provided, single submitter. Criteria: Invitae Variant Classification Sherloc (09022015). Collection method: clinical testing. Allele origin: germline.
Comment: In summary, the available evidence is currently insufficient to determine the role of this variant in disease. Therefore, it has been classified as a Variant of Uncertain Significance. Advanced modeling of protein sequence and biophysical properties (such as structural, functional, and spatial information, amino acid conservation, physicochemical variation, residue mobility, and thermodynamic stability) performed at Invitae indicates that this missense variant is not expected to disrupt KCND3 protein function. ClinVar contains an entry for this variant (Variation ID: 1467275). This variant has not been reported in the literature in individuals affected with KCND3-related conditions. This variant is not present in population databases (gnomAD no frequency). This sequence change replaces proline, which is neutral and non-polar, with serine, which is neutral and polar, at codon 558 of the KCND3 protein (p.Pro558Ser).

NM_001378969.1(KCND3):c.1672C>T (p.Pro558Ser)

Gene: KCND3 (potassium voltage-gated channel subfamily D member 3; minus strand). Cytogenetic location: 1p13.2.
Variant type: single nucleotide variant.
Coding change: c.1672C>T on transcript NM_001378969.1 (MANE Select); coding-DNA position 1672, C replaced by T.
Protein change: p.Pro558Ser; replaces proline 558 with serine.
Molecular consequence: missense variant.
Genome position (GRCh38, 1-based): chr1:111,777,120, G>A on the plus strand (C>T on the coding strand, the complement: KCND3 is on the minus strand). VCF-style: chr1-111777120-G-A. GRCh37 (hg19) VCF-style: chr1-112319742-G-A.
Other names: c.1615C>T, p.Pro539Ser (NM_001378970.1, NM_172198.3); c.1672C>T, p.Pro558Ser (NM_004980.5); short protein forms P539S, P558S.
Identifiers: ClinVar variation 1467275 (VCV001467275.8), dbSNP rs2101456436, ClinGen allele CA341656895.
Genomic context (GRCh38, chr1:111,777,120, plus strand): 5'-TGTGGATCGTGCTGAGCTCTTGCATGCTGCGCAGGCGAGTAGCTGGCAGGTTAGAATTGG[G>A]CAGGTGTGTGGTCTTCTTACTACGACGGGAGCAGCAGGTGGTAGTGAGGCCTGGGTGGCT-3'
Protein context (NP_001365898.1, residues 548-568): SRRSKKTTHL[Pro558Ser]NSNLPATRLR